The following is an entry in ClinVar:

ClinVar aggregate classification (germline): Conflicting classifications of pathogenicity. Review status: criteria provided, conflicting classifications (1 of 4 stars). 2 submissions from 2 submitters: Uncertain significance (1); Benign (1). Last evaluated 2025-11-03.

Conditions:
Adams-Oliver syndrome 5 (AOS5). Identifiers: Orphanet 974, MedGen C4014970, MONDO:0014459, OMIM 616028.

Allele frequency attached by ClinVar (database versions not stated): gnomAD 0.00001; gnomAD exomes 0.00001; TOPMed 0.00001; ExAC 0.00002.
gnomAD v4.1: 18 of 1,612,794 alleles (0.0011%); highest among the groups gnomAD compares: Admixed American, 0.0017%; no homozygotes.

Submissions (2):

Labcorp Genetics (formerly Invitae), Labcorp
Classification: Benign for Adams-Oliver syndrome 5. Last evaluated: 2025-11-03. Review status: criteria provided, single submitter. Criteria: Invitae Variant Classification Sherloc (09022015). Collection method: clinical testing. Allele origin: germline.

GeneDx
Classification: Uncertain significance. Last evaluated: 2024-06-12. Review status: criteria provided, single submitter. Criteria: GeneDx Variant Classification Process June 2021. Collection method: clinical testing. Allele origin: germline. Affected: yes.
Comment: Identified in a patient with aortic insufficiency, atrial flutter, and aortic root dilation (PMID: 37719708); Not observed at significant frequency in large population cohorts (gnomAD); In silico analysis indicates that this missense variant does not alter protein structure/function; This variant is associated with the following publications: (PMID: 37719708)

NM_017617.5(NOTCH1):c.6910T>G (p.Leu2304Val)

Gene: NOTCH1 (notch receptor 1; minus strand). Cytogenetic location: 9q34.3.
Variant type: single nucleotide variant.
Coding change: c.6910T>G on transcript NM_017617.5 (MANE Select); coding-DNA position 6910, T replaced by G.
Protein change: p.Leu2304Val; replaces leucine 2304 with valine.
Molecular consequence: missense variant.
Genome position (GRCh38, 1-based): chr9:136,496,829, A>C on the plus strand (T>G on the coding strand, the complement: NOTCH1 is on the minus strand). VCF-style: chr9-136496829-A-C. GRCh37 (hg19) VCF-style: chr9-139391281-A-C.
Other names: c.6910T>G (NM_017617.3); short protein forms L2304V.
Identifiers: ClinVar variation 1475659 (VCV001475659.7), dbSNP rs749993527, ClinGen allele CA5339792.